The following is an entry in ClinVar:

NM_016604.4(KDM3B):c.1772G>A (p.Arg591Gln)

Gene: KDM3B (lysine demethylase 3B; plus strand). Cytogenetic location: 5q31.2.
Variant type: single nucleotide variant.
Coding change: c.1772G>A on transcript NM_016604.4 (MANE Select); coding-DNA position 1772, G replaced by A.
Protein change: p.Arg591Gln; replaces arginine 591 with glutamine.
Molecular consequence: missense variant.
Genome position (GRCh38, 1-based): chr5:138,391,404, G>A. VCF-style: chr5-138391404-G-A. GRCh37 (hg19) VCF-style: chr5-137727093-G-A.
Other names: c.1772G>A (NM_016604.3); short protein forms R591Q.
Identifiers: ClinVar variation 1708450 (VCV001708450.3), dbSNP rs374559198, ClinGen allele CA3428955.

ClinVar aggregate classification (germline): Uncertain significance. Review status: criteria provided, multiple submitters, no conflicts (2 of 4 stars). 2 submissions from 2 submitters: Uncertain significance (2). Last evaluated 2025-06-18.

Conditions:
Inborn genetic diseases. Identifiers: MedGen C0950123, MeSH D030342.

Allele frequency attached by ClinVar (database versions not stated): gnomAD exomes 0.00001; ExAC 0.00003; gnomAD 0.00007; TOPMed 0.00007; ESP Exome Variant Server 0.00008.
gnomAD v4.1: 23 of 1,613,412 alleles (0.0014%); highest among the groups gnomAD compares: African/African-American, 0.015%; no homozygotes.

Submissions (2):

Ambry Genetics
Classification: Uncertain significance for Inborn genetic diseases. Last evaluated: 2025-06-18. Review status: criteria provided, single submitter. Criteria: Ambry Variant Classification Scheme 2023. Collection method: clinical testing. Allele origin: germline.

Centre of Medical Genetics, University Hospital Muenster
Classification: Uncertain significance. Last evaluated: 2021-12-08. Review status: criteria provided, single submitter. Criteria: ACMG Guidelines, 2015. Collection method: clinical testing. Allele origin: unknown. Affected: yes. Observed: 1 variant allele, 1 heterozygote.
Comment: ACMG categories: PM2,PP3,BP1